The following is an entry in ClinVar:

ClinVar aggregate classification (germline): Pathogenic/Likely pathogenic. Review status: criteria provided, multiple submitters, no conflicts (2 of 4 stars). 2 submissions from 2 submitters: Pathogenic (1); Likely pathogenic (1). Last evaluated 2026-10-11.

Conditions:
Septo-optic dysplasia sequence (SOD). Also called: DE MORSIER SYNDROME; Septo-optic dysplasia. Identifiers: Orphanet 3157, MedGen C0338503, MONDO:0008428, OMIM 182230, HP:0100842.

gnomAD v4.1: 1 of 1,613,778 alleles (0.000062%); highest among the groups gnomAD compares: Non-Finnish European, 0.000085%; no homozygotes.

Submissions (2):

GeneDx
Classification: Pathogenic. Last evaluated: 2026-10-11. Review status: criteria provided, single submitter. Criteria: GeneDx Variant Classification Process June 2021. Collection method: clinical testing. Allele origin: germline.
Comment: Nonsense variant predicted to result in protein truncation or nonsense mediated decay in a gene for which loss of function is a known mechanism of disease; Not observed at significant frequency in large population cohorts (gnomAD); This variant is associated with the following publications: (PMID: 33729509)

3billion
Classification: Likely pathogenic for Septo-optic dysplasia sequence. Last evaluated: 2023-02-23. Review status: criteria provided, single submitter. Criteria: ACMG Guidelines, 2015. Collection method: clinical testing. Allele origin: unknown. Affected: yes.
Comment: The variant is not observed in the gnomAD v2.1.1 dataset. This variant was predicted to result in a loss or disruption of normal protein function through nonsense-mediated decay (NMD) or protein truncation. Multiple pathogenic variants are reported downstream of the variant. Therefore, this variant is classified as Likely pathogenic according to the recommendation of ACMG/AMP guideline.

NM_003865.3(HESX1):c.349C>T (p.Gln117Ter)

Gene: HESX1 (HESX homeobox 1; minus strand). Cytogenetic location: 3p14.3.
Variant type: single nucleotide variant.
Coding change: c.349C>T on transcript NM_003865.3 (MANE Select); coding-DNA position 349, C replaced by T.
Protein change: p.Gln117Ter; replaces glutamine 117 with a stop codon.
Molecular consequence: nonsense.
Genome position (GRCh38, 1-based): chr3:57,198,761, G>A on the plus strand (C>T on the coding strand, the complement: HESX1 is on the minus strand). VCF-style: chr3-57198761-G-A. GRCh37 (hg19) VCF-style: chr3-57232789-G-A.
Other names: c.349C>T (NM_003865.2); c.349C>T, p.Gln117Ter (NM_001376058.1, NM_001376059.1, NM_001376060.1 and 1 more transcripts); short protein forms Q117*.
Identifiers: ClinVar variation 2444374 (VCV002444374.3), dbSNP rs745685399, ClinGen allele CA353400975.